The following is an entry in ClinVar:

ClinVar aggregate classification (germline): Uncertain significance (1 of 4 stars; one submission).

Conditions:
Inborn genetic diseases. Identifiers: MedGen C0950123, MeSH D030342.

Submission:

Ambry Genetics
Classification: Uncertain significance for Inborn genetic diseases. Last evaluated: 2026-08-10. Review status: criteria provided, single submitter. Criteria: Ambry Variant Classification Scheme 2023. Collection method: clinical testing. Allele origin: germline.
Comment: The p.E131D variant (also known as c.393G>C), located in coding exon 1 of the SMAD6 gene, results from a G to C substitution at nucleotide position 393. The glutamic acid at codon 131 is replaced by aspartic acid, an amino acid with highly similar properties. This amino acid position is conserved. In addition, this alteration is predicted to be tolerated by in silico analysis. Based on the available evidence, the clinical significance of this variant remains unclear.

NM_005585.5(SMAD6):c.393G>C (p.Glu131Asp)

Gene: SMAD6 (SMAD family member 6; plus strand). Cytogenetic location: 15q22.31.
Variant type: single nucleotide variant.
Coding change: c.393G>C on transcript NM_005585.5 (MANE Select); coding-DNA position 393, G replaced by C.
Protein change: p.Glu131Asp; replaces glutamic acid 131 with aspartic acid.
Molecular consequence: missense variant. On other transcripts: non-coding transcript variant (1).
Genome position (GRCh38, 1-based): chr15:66,703,651, G>C. VCF-style: chr15-66703651-G-C. GRCh37 (hg19) VCF-style: chr15-66995989-G-C.
Other names: short protein forms E131D.
Identifiers: ClinVar variation 5029777 (VCV005029777.1).